The following is an entry in ClinVar:

NM_000169.3(GLA):c.1012G>A (p.Glu338Lys)

Genes: GLA (galactosidase alpha; minus strand), RPL36A-HNRNPH2 (RPL36A-HNRNPH2 readthrough; plus strand). Cytogenetic location: Xq22.1.
Variant type: single nucleotide variant.
Coding change: c.1012G>A on transcript NM_000169.3 (MANE Select); coding-DNA position 1012, G replaced by A.
Protein change: p.Glu338Lys; replaces glutamic acid 338 with lysine.
Molecular consequence: missense variant. On other transcripts: non-coding transcript variant (3), intron variant (2).
Genome position (GRCh38, 1-based): chrX:101,398,087, C>T on the plus strand (G>A on the coding strand, the complement: GLA is on the minus strand). VCF-style: chrX-101398087-C-T. GRCh37 (hg19) VCF-style: chrX-100653075-C-T.
Other names: c.1135G>A, p.Glu379Lys (NM_001406747.1); c.300+2630C>T (NM_001199973.2); c.177+6265C>T (NM_001199974.2); short protein forms E338K, E379K.
Identifiers: ClinVar variation 4087615 (VCV004087615.2).
Genomic context (GRCh38, chrX:101,398,087, plus strand): 5'-CCTGCCGGTTTATCATAGCTACAGCCCAGGCTAAGCCTGAGAGAGGTCGTTCCCACACTT[C>T]AAAGTTGTCTCCCTGAAAAACCAAGAAAGTGTGGTTGCTTAGCAACTAGTGATAAGTGGC-3'
Protein context (NP_000160.1, residues 328-348): GYQLRQGDNF[Glu338Lys]VWERPLSGLA

ClinVar aggregate classification (germline): Likely pathogenic (1 of 4 stars; one submission).

Conditions:
Fabry disease. Also called: ALPHA-GALACTOSIDASE A DEFICIENCY; ANDERSON-FABRY DISEASE; CERAMIDE TRIHEXOSIDASE DEFICIENCY; GLA DEFICIENCY; HEREDITARY DYSTOPIC LIPIDOSIS; Angiokeratoma corporis diffusum. Identifiers: Orphanet 324, MedGen C0002986, MONDO:0010526, OMIM 301500, HP:0001071. Disease mechanism: Fabry disease is due to inactivating mutations in the X-linked GLA gene resulting in deficiency of the enzyme Alpha Galactosidase-A., loss of function.

Submission:

Genomenon, Inc
Classification: Likely pathogenic for Fabry disease. Last evaluated: 2026-09-08. Review status: criteria provided, single submitter. Criteria: Genomenon Sequence Variant Interpretation Standards - Updated. Collection method: curation. Allele origin: germline. Affected: yes.
Comment: GLA p.Glu338Lys (c.1012G>A) is a missense variant that changes the amino acid at codon 338 from Glutamic acid to Lysine. This variant has been observed in at least one proband with clinical features consistent with Fabry disease (PMID:20022777;39766319;29853467;16595074). Functional or patient cell studies have been reported (PMID:27657681). It is absent or not present at a significant frequency in gnomAD. In silico models predict that this variant is possibly or probably damaging. In conclusion, we classify GLA p.Glu338Lys (c.1012G>A) as a likely pathogenic variant.

Literature cited by the submitters: PubMed 20022777; PubMed 39766319; PubMed 29853467; PubMed 16595074; PubMed 27657681.